The following is an entry in ClinVar:

ClinVar aggregate classification (germline): Likely benign. Review status: criteria provided, multiple submitters, no conflicts (2 of 4 stars). 2 submissions from 2 submitters: Likely benign (2). Last evaluated 2026-01-26.

Conditions:
Immunodeficiency 19 (IMD19). Also called: CD3-DELTA DEFICIENCY; SEVERE COMBINED IMMUNODEFICIENCY, T CELL-NEGATIVE, B CELL-POSITIVE, NK CELL-POSITIVE; SCID, T CELL-NEGATIVE, B CELL-POSITIVE, NK CELL-POSITIVE; IMMUNODEFICIENCY 19, SEVERE COMBINED. Identifiers: MedGen C3810147, MONDO:0014280, OMIM 615617.

Allele frequency attached by ClinVar (database versions not stated): gnomAD exomes 0.00002 and 0.00003; TOPMed 0.00002; ExAC 0.00002; gnomAD 0.00002.

Submissions (2):

Labcorp Genetics (formerly Invitae), Labcorp
Classification: Likely benign for Immunodeficiency 19. Last evaluated: 2026-01-26. Review status: criteria provided, single submitter. Criteria: Invitae Variant Classification Sherloc (09022015). Collection method: clinical testing. Allele origin: germline.

GeneDx
Classification: Likely benign. Last evaluated: 2016-09-13. Review status: criteria provided, single submitter. Criteria: GeneDx Variant Classification (06012015). Collection method: clinical testing. Allele origin: germline. Affected: yes.
Comment: This variant is considered likely benign or benign based on one or more of the following criteria: it is a conservative change, it occurs at a poorly conserved position in the protein, it is predicted to be benign by multiple in silico algorithms, and/or has population frequency not consistent with disease.

NM_000732.6(CD3D):c.411C>T (p.Ala137=)

Gene: CD3D (CD3 delta subunit of T-cell receptor complex; minus strand). Cytogenetic location: 11q23.3.
Variant type: single nucleotide variant.
Coding change: c.411C>T on transcript NM_000732.6 (MANE Select); coding-DNA position 411, C replaced by T.
Protein change: p.Ala137=; no amino-acid change (alanine 137 retained).
Molecular consequence: synonymous variant.
Genome position (GRCh38, 1-based): chr11:118,339,490, G>A on the plus strand (C>T on the coding strand, the complement: CD3D is on the minus strand). VCF-style: chr11-118339490-G-A. GRCh37 (hg19) VCF-style: chr11-118210205-G-A.
Other names: c.279C>T, p.Ala93= (NM_001040651.2).
Identifiers: ClinVar variation 389289 (VCV000389289.9), dbSNP rs200520638, ClinGen allele CA6301886.